The following is an entry in ClinVar:

ClinVar aggregate classification (germline): Uncertain significance. Review status: criteria provided, single submitter (1 of 4 stars). 2 submissions from 2 submitters: Uncertain significance (1). 1 of the submissions does not count toward it. Last evaluated 2022-07-19.

Conditions:
Autosomal dominant KCNQ1-related disease.
Cardiovascular phenotype. Identifiers: MedGen CN230736.

Submissions (2):

Ambry Genetics
Classification: Uncertain significance for Cardiovascular phenotype. Last evaluated: 2022-07-19. Review status: criteria provided, single submitter. Criteria: Ambry Variant Classification Scheme 2023. Collection method: clinical testing. Allele origin: germline.
Comment: The p.K196Q variant (also known as c.586A>C), located in coding exon 3 of the KCNQ1 gene, results from an A to C substitution at nucleotide position 586. The lysine at codon 196 is replaced by glutamine, an amino acid with similar properties. This amino acid position is highly conserved in available vertebrate species. In addition, this alteration is predicted to be deleterious by in silico analysis. Since supporting evidence is limited at this time, the clinical significance of this alteration remains unclear.

Biochemical Molecular Genetic Laboratory, King Abdulaziz Medical City
Classification: Uncertain significance for Autosomal dominant KCNQ1-related disease. Last evaluated: 2019-08-25. Review status: no assertion criteria provided. Collection method: clinical testing. Allele origin: germline. Affected: yes. Not counted in ClinVar's aggregate classification.

NM_000218.3(KCNQ1):c.586A>C (p.Lys196Gln)

Gene: KCNQ1 (potassium voltage-gated channel subfamily Q member 1; plus strand). Cytogenetic location: 11p15.5.
Variant type: single nucleotide variant.
Coding change: c.586A>C on transcript NM_000218.3 (MANE Select); coding-DNA position 586, A replaced by C.
Protein change: p.Lys196Gln; replaces lysine 196 with glutamine.
Molecular consequence: missense variant.
Genome position (GRCh38, 1-based): chr11:2,570,736, A>C. VCF-style: chr11-2570736-A-C. GRCh37 (hg19) VCF-style: chr11-2591966-A-C.
Other names: c.586A>C, p.Lys196Gln (NM_001406836.1); c.316A>C, p.Lys106Gln (NM_001406837.1); c.205A>C, p.Lys69Gln (NM_181798.2); short protein forms K196Q, K69Q, K106Q.
Identifiers: ClinVar variation 800853 (VCV000800853.5), dbSNP rs1589956747, ClinGen allele CA379130039.